The following is an entry in ClinVar:

ClinVar aggregate classification (germline): Conflicting classifications of pathogenicity. Review status: criteria provided, conflicting classifications (1 of 4 stars). 3 submissions from 3 submitters: Uncertain significance (1); Likely benign (2). Last evaluated 2026-06-01.

gnomAD v4.1: 704 of 1,613,388 alleles (0.044%); highest among the groups gnomAD compares: Non-Finnish European, 0.039%; no homozygotes.

Submissions (3):

CeGaT Center for Human Genetics Tuebingen
Classification: Likely benign. Last evaluated: 2026-06-01. Review status: criteria provided, single submitter. Criteria: CeGaT Center For Human Genetics Tuebingen Variant Classification Criteria Version 2. Collection method: clinical testing. Allele origin: germline. Affected: yes. Observed: 1 variant allele.
Comment: ABCA13: BP4

Ambry Genetics
Classification: Uncertain significance. Last evaluated: 2025-08-05. Review status: criteria provided, single submitter. Criteria: Ambry Variant Classification Scheme 2023. Collection method: clinical testing. Allele origin: germline.

Laboratory of Genetics, Children's Clinical University Hospital Latvia
Classification: Likely benign. Last evaluated: 2025-02-16. Review status: criteria provided, single submitter. Criteria: ACMG Guidelines, 2015. Collection method: clinical testing. Allele origin: germline. Affected: yes.

NM_152701.5(ABCA13):c.7742A>C (p.His2581Pro)

Gene: ABCA13 (ATP binding cassette subfamily A member 13; plus strand). Cytogenetic location: 7p12.3.
Variant type: single nucleotide variant.
Coding change: c.7742A>C on transcript NM_152701.5 (MANE Select); coding-DNA position 7742, A replaced by C.
Protein change: p.His2581Pro; replaces histidine 2581 with proline.
Molecular consequence: missense variant.
Genome position (GRCh38, 1-based): chr7:48,278,936, A>C. VCF-style: chr7-48278936-A-C. GRCh37 (hg19) VCF-style: chr7-48318533-A-C.
Other names: c.7742A>C (NM_152701.3); short protein forms H2581P.
Identifiers: ClinVar variation 3910605 (VCV003910605.4).
Genomic context (GRCh38, chr7:48,278,936, plus strand): 5'-TCATGCAACAAAGTGTTCAAAATCTTGTGAAAGAAATAGCTACTTTAAAAAAAATAGATC[A>C]TTTCACATTTGAAAAGATAAATGATTTGTTGGTGCCATTTCTTGACTTGGCCTTTGAAAT-3'
Protein context (NP_689914.3, residues 2571-2591): KEIATLKKID[His2581Pro]FTFEKINDLL